The following is an entry in ClinVar:

NM_018474.6(KIZ):c.1371C>T (p.Asp457=)

Genes: KIZ (kizuna centrosomal protein; plus strand), KIZ-AS1 (KIZ antisense RNA 1; minus strand). Cytogenetic location: 20p11.23.
Variant type: single nucleotide variant.
Coding change: c.1371C>T on transcript NM_018474.6 (MANE Select); coding-DNA position 1371, C replaced by T.
Protein change: p.Asp457=; no amino-acid change (aspartic acid 457 retained).
Molecular consequence: synonymous variant.
Genome position (GRCh38, 1-based): chr20:21,205,509, C>T. VCF-style: chr20-21205509-C-T. GRCh37 (hg19) VCF-style: chr20-21186148-C-T.
Other names: c.1062C>T, p.Asp354= (NM_001163022.3, NM_001352435.2); c.972C>T, p.Asp324= (NM_001163023.3); c.1224C>T, p.Asp408= (NM_001276389.2); c.1371C>T, p.Asp457= (NM_001352434.2); c.1029C>T, p.Asp343= (NM_001352436.2).
Identifiers: ClinVar variation 1711538 (VCV001711538.36), dbSNP rs754107591, ClinGen allele CA9784845.
Genomic context (GRCh38, chr20:21,205,509, plus strand): 5'-ATATTACAAATCTATAGTGAGTGTCCTGTTTCTGTTTTATAGACCTGGACAAACACCAGA[C>T]TCAGACGTACCGAGGGCACAGGTGGGTCAGCATGTTGCCACCTTGAAAGAACATGATAAT-3'
Protein context (NP_060944.3, residues 447-467): APTREPGQTP[Asp457=]SDVPRAQVGQ

ClinVar aggregate classification (germline): Likely benign. Review status: criteria provided, multiple submitters, no conflicts (2 of 4 stars). 3 submissions from 3 submitters: Likely benign (3). Last evaluated 2022-11-08.

Allele frequency attached by ClinVar (database versions not stated): ExAC 0.00004; gnomAD exomes below 0.00001; gnomAD 0.00001; TOPMed 0.00003.
gnomAD v4.1: 7 of 1,527,736 alleles (0.00046%); highest among the groups gnomAD compares: Non-Finnish European, 0.00063%; no homozygotes.

Submissions (3):

Labcorp Genetics (formerly Invitae), Labcorp
Classification: Likely benign. Last evaluated: 2022-11-08. Review status: criteria provided, single submitter. Criteria: Invitae Variant Classification Sherloc (09022015). Collection method: clinical testing. Allele origin: germline.

Blueprint Genetics
Classification: Likely benign. Last evaluated: 2022-08-17. Review status: criteria provided, single submitter. Criteria: ACMG Guidelines, 2015. Collection method: clinical testing. Allele origin: germline.

CeGaT Center for Human Genetics Tuebingen
Classification: Likely benign. Last evaluated: 2022-08-01. Review status: criteria provided, single submitter. Criteria: CeGaT Center For Human Genetics Tuebingen Variant Classification Criteria Version 2. Collection method: clinical testing. Allele origin: germline. Affected: yes. Observed: 1 variant allele.
Comment: KIZ: BP4, BP7